The following is an entry in ClinVar:

NM_014780.5(CUL7):c.1823A>G (p.Glu608Gly)

Gene: CUL7 (cullin 7; minus strand). Cytogenetic location: 6p21.1.
Variant type: single nucleotide variant.
Coding change: c.1823A>G on transcript NM_014780.5 (MANE Select); coding-DNA position 1823, A replaced by G.
Protein change: p.Glu608Gly; replaces glutamic acid 608 with glycine.
Molecular consequence: missense variant.
Genome position (GRCh38, 1-based): chr6:43,049,409, T>C on the plus strand (A>G on the coding strand, the complement: CUL7 is on the minus strand). VCF-style: chr6-43049409-T-C. GRCh37 (hg19) VCF-style: chr6-43017147-T-C.
Other names: c.1919A>G, p.Glu640Gly (NM_001168370.2, NM_001374872.1); c.1823A>G, p.Glu608Gly (NM_001374873.1, NM_001374874.1); short protein forms E608G, E640G.
Identifiers: ClinVar variation 910327 (VCV000910327.13), dbSNP rs199819170, ClinGen allele CA3814068.

ClinVar aggregate classification (germline): Conflicting classifications of pathogenicity. Review status: criteria provided, conflicting classifications (1 of 4 stars). 3 submissions from 3 submitters: Uncertain significance (1); Benign (1); Likely benign (1). Last evaluated 2025-06-26.

Conditions:
3M syndrome 1. Also called: 3-M Syndrome, CUL7-Related. Identifiers: Orphanet 2616, MedGen C2678312, MONDO:0010117, OMIM 273750.

Allele frequency attached by ClinVar (database versions not stated): gnomAD 0.00002 and 0.00009; gnomAD exomes 0.00013 and 0.00029; ExAC 0.00017; TOPMed 0.00003; 1000 Genomes Project 30x 0.00062; 1000 Genomes Project 0.00080.
gnomAD v4.1: 426 of 1,614,174 alleles (0.026%); highest among the groups gnomAD compares: East Asian, 0.95%; 3 homozygotes.

Submissions (4):

Women's Health and Genetics/Laboratory Corporation of America, LabCorp
Classification: Likely benign. Last evaluated: 2025-06-26. Review status: criteria provided, single submitter. Criteria: LabCorp Variant Classification Summary - May 2015. Collection method: clinical testing. Allele origin: germline.
Comment: Variant summary: CUL7 c.1823A>G (p.Glu608Gly) results in a non-conservative amino acid change in the encoded protein sequence. Algorithms developed to predict the effect of missense changes on protein structure and function are either unavailable or do not agree on the potential impact of this missense change. The variant allele was found at a frequency of 0.00013 in 251468 control chromosomes, predominantly at a frequency of 0.0018 within the East Asian subpopulation in the gnomAD database, including 1 homozygote. The observed variant frequency within East Asian control individuals in the gnomAD database is approximately 1.61 fold of the estimated maximal expected allele frequency for a pathogenic variant in CUL7 causing Three M Syndrome 1 phenotype (0.0011). To our knowledge, no occurrence of c.1823A>G in individuals affected with Three M Syndrome 1 and no experimental evidence demonstrating its impact on protein function have been reported. ClinVar contains an entry for this variant (Variation ID: 910327). Based on the evidence outlined above, the variant was classified as likely benign.

Labcorp Genetics (formerly Invitae), Labcorp
Classification: Benign. Last evaluated: 2023-12-09. Review status: criteria provided, single submitter. Criteria: Invitae Variant Classification Sherloc (09022015). Collection method: clinical testing. Allele origin: germline.

Illumina Laboratory Services, Illumina
Classification: Uncertain significance for 3M syndrome 1. Last evaluated: 2018-01-12. Review status: criteria provided, single submitter. Criteria: ICSL Variant Classification Criteria 13 December 2019. Collection method: clinical testing. Allele origin: germline.

Dr. Peter K. Rogan Lab, Western University
No classification provided (evidence only). Condition: Hepatocellular carcinoma. Review status: no classification provided. Collection method: in vitro. Allele origin: not applicable. Functional consequence: retained intron. Not counted in ClinVar's aggregate classification.